The following is an entry in ClinVar:

NM_006514.4(SCN10A):c.3761C>T (p.Ala1254Val)

Gene: SCN10A (sodium voltage-gated channel alpha subunit 10; minus strand). Cytogenetic location: 3p22.2.
Variant type: single nucleotide variant.
Coding change: c.3761C>T on transcript NM_006514.4 (MANE Select); coding-DNA position 3761, C replaced by T.
Protein change: p.Ala1254Val; replaces alanine 1254 with valine.
Molecular consequence: missense variant.
Genome position (GRCh38, 1-based): chr3:38,714,001, G>A on the plus strand (C>T on the coding strand, the complement: SCN10A is on the minus strand). VCF-style: chr3-38714001-G-A. GRCh37 (hg19) VCF-style: chr3-38755492-G-A.
Other names: c.3758C>T, p.Ala1253Val (NM_001293306.2); c.3467C>T, p.Ala1156Val (NM_001293307.2); short protein forms A1253V, A1254V, A1156V.
Identifiers: ClinVar variation 3158495 (VCV003158495.1), dbSNP rs769655303, ClinGen allele CA352151576.

ClinVar aggregate classification (germline): Uncertain significance (1 of 4 stars; one submission).

Conditions:
Cardiovascular phenotype. Identifiers: MedGen CN230736.

Submission:

Ambry Genetics
Classification: Uncertain significance for Cardiovascular phenotype. Last evaluated: 2024-01-02. Review status: criteria provided, single submitter. Criteria: Ambry Variant Classification Scheme 2023. Collection method: clinical testing. Allele origin: germline.
Comment: Does not currently meet published gene-disease clinical validity criteria Based on insufficient or conflicting evidence, the clinical significance of this alteration remains unclear.

Literature cited by the submitters: PubMed 28106320.